The following is an entry in ClinVar:

ClinVar aggregate classification (germline): Uncertain significance. Review status: criteria provided, multiple submitters, no conflicts (2 of 4 stars). 2 submissions from 2 submitters: Uncertain significance (2). Last evaluated 2025-12-21.

Conditions:
Inborn genetic diseases. Identifiers: MedGen C0950123, MeSH D030342.

Allele frequency attached by ClinVar (database versions not stated): gnomAD exomes 0.00001; TOPMed 0.00005; gnomAD 0.00007.
gnomAD v4.1: 30 of 1,613,918 alleles (0.0019%); highest among the groups gnomAD compares: Admixed American, 0.028%; no homozygotes.

Submissions (2):

Labcorp Genetics (formerly Invitae), Labcorp
Classification: Uncertain significance. Last evaluated: 2025-12-21. Review status: criteria provided, single submitter. Criteria: Invitae Variant Classification Sherloc (09022015). Collection method: clinical testing. Allele origin: germline.
Comment: This sequence change replaces glycine, which is neutral and non-polar, with serine, which is neutral and polar, at codon 805 of the SLC12A6 protein (p.Gly805Ser). This variant is present in population databases (rs200931772, gnomAD 0.02%). This variant has not been reported in the literature in individuals affected with SLC12A6-related conditions. ClinVar contains an entry for this variant (Variation ID: 2145386). Invitae Evidence Modeling of protein sequence and biophysical properties (such as structural, functional, and spatial information, amino acid conservation, physicochemical variation, residue mobility, and thermodynamic stability) indicates that this missense variant is not expected to disrupt SLC12A6 protein function with a negative predictive value of 80%. In summary, the available evidence is currently insufficient to determine the role of this variant in disease. Therefore, it has been classified as a Variant of Uncertain Significance.

Ambry Genetics
Classification: Uncertain significance for Inborn genetic diseases. Last evaluated: 2024-10-11. Review status: criteria provided, single submitter. Criteria: Ambry Variant Classification Scheme 2023. Collection method: clinical testing. Allele origin: germline.

NM_001365088.1(SLC12A6):c.2413G>A (p.Gly805Ser)

Gene: SLC12A6 (solute carrier family 12 member 6; minus strand). Cytogenetic location: 15q14.
Variant type: single nucleotide variant.
Coding change: c.2413G>A on transcript NM_001365088.1 (MANE Select); coding-DNA position 2413, G replaced by A.
Protein change: p.Gly805Ser; replaces glycine 805 with serine.
Molecular consequence: missense variant.
Genome position (GRCh38, 1-based): chr15:34,240,684, C>T on the plus strand (G>A on the coding strand, the complement: SLC12A6 is on the minus strand). VCF-style: chr15-34240684-C-T. GRCh37 (hg19) VCF-style: chr15-34532885-C-T.
Other names: c.2236G>A, p.Gly746Ser (NM_001042494.2, NM_001042495.2); c.2386G>A, p.Gly796Ser (NM_001042496.2); c.2368G>A, p.Gly790Ser (NM_001042497.2); c.2260G>A, p.Gly754Ser (NM_005135.2); c.2413G>A, p.Gly805Ser (NM_133647.2); short protein forms G746S, G754S, G805S, G790S, G796S.
Identifiers: ClinVar variation 2145386 (VCV002145386.4), dbSNP rs200931772, ClinGen allele CA268662400.